The following is an entry in ClinVar:

NM_001267550.2(TTN):c.88329del (p.Pro29443_Leu29444insTer)

Genes: TTN (titin; minus strand), TTN-AS1 (TTN antisense RNA 1; plus strand). Cytogenetic location: 2q31.2.
Variant type: Deletion.
Coding change: c.88329del on transcript NM_001267550.2 (MANE Select); coding-DNA position 88329, one base deleted (T; older notation c.88329delT).
Protein change: p.Pro29443_Leu29444insTer.
Molecular consequence: frameshift variant. On other transcripts: nonsense (1).
Genome position (GRCh38, 1-based): chr2:178,555,130, A deleted on the plus strand (T on the coding strand, the reverse complement: TTN is on the minus strand). VCF-style (leftmost placement, unchanged base first): chr2-178555129-GA-G. GRCh37 (hg19) VCF-style: chr2-179419856-GA-G.
Other names: c.80625del, p.Pro26875_Leu26876insTer (NM_133378.4); c.61509del, p.Pro20503_Leu20504insTer (NM_133432.3); c.61710del, p.Pro20570_Leu20571insTer (NM_133437.4); c.83406del, p.Pro27802_Leu27803insTer (NM_001256850.1); c.88329delT, p.Leu29444Terfs (NM_001267550.1); c.61134del, p.Pro20378_Leu20379insTer (NM_003319.4).
Identifiers: ClinVar variation 4538718 (VCV004538718.2).

ClinVar aggregate classification (germline): Likely pathogenic (1 of 4 stars; one submission).

Submission:

GeneDx
Classification: Likely pathogenic. Last evaluated: 2026-04-21. Review status: criteria provided, single submitter. Criteria: GeneDx Variant Classification Process June 2021. Collection method: clinical testing. Allele origin: germline.
Comment: Nonsense variant predicted to result in protein truncation or nonsense mediated decay in a gene for which loss of function is a known mechanism of disease; Located in the A-band, a region of TTN for which truncating variants are significantly associated with autosomal dominant cardiomyopathy and also with autosomal recessive skeletal myopathies (PMID: 22335739, 32778822); Not observed at significant frequency in large population cohorts (gnomAD); Has not been previously published as pathogenic or benign to our knowledge; This variant is associated with the following publications: (PMID: 22335739, 32778822)